The following is an entry in ClinVar:

ClinVar aggregate classification (germline): Uncertain significance. Review status: criteria provided, multiple submitters, no conflicts (2 of 4 stars). 4 submissions from 4 submitters: Uncertain significance (3). 1 of the submissions does not count toward it. Last evaluated 2022-02-21.

Conditions:
Retinitis pigmentosa (RP). Identifiers: Orphanet 791, MedGen C0035334, MeSH D012174, MONDO:0019200, OMIM 268000. Inheritance: Autosomal dominant, autosomal recessive and X linked inheritance.
Retinitis pigmentosa 26 (RP26). Identifiers: Orphanet 791, MedGen C1842127, MONDO:0012024, OMIM 608380.

Allele frequency attached by ClinVar (database versions not stated): ExAC 0.00001; gnomAD 0.00001; gnomAD exomes 0.00001 and 0.00002; TOPMed 0.00001.
gnomAD v4.1: 18 of 1,612,430 alleles (0.0011%); highest among the groups gnomAD compares: African/African-American, 0.0027%; no homozygotes.

Submissions (4):

Labcorp Genetics (formerly Invitae), Labcorp
Classification: Uncertain significance. Last evaluated: 2022-02-21. Review status: criteria provided, single submitter. Criteria: Invitae Variant Classification Sherloc (09022015). Collection method: clinical testing. Allele origin: germline.
Comment: This sequence change replaces leucine, which is neutral and non-polar, with proline, which is neutral and non-polar, at codon 309 of the CERKL protein (p.Leu309Pro). This variant is present in population databases (rs772798578, gnomAD 0.007%). This variant has not been reported in the literature in individuals affected with CERKL-related conditions. ClinVar contains an entry for this variant (Variation ID: 333008). Algorithms developed to predict the effect of missense changes on protein structure and function are either unavailable or do not agree on the potential impact of this missense change (SIFT: "Deleterious"; PolyPhen-2: "Probably Damaging"; Align-GVGD: "Class C0"). In summary, the available evidence is currently insufficient to determine the role of this variant in disease. Therefore, it has been classified as a Variant of Uncertain Significance.

Blueprint Genetics
Classification: Uncertain significance. Last evaluated: 2021-09-22. Review status: criteria provided, single submitter. Criteria: ACMG Guidelines, 2015. Collection method: clinical testing. Allele origin: germline.

Illumina Laboratory Services, Illumina
Classification: Uncertain significance for Retinitis pigmentosa. Last evaluated: 2018-01-12. Review status: criteria provided, single submitter. Criteria: ICSL Variant Classification Criteria 13 December 2019. Collection method: clinical testing. Allele origin: germline.

Natera, Inc.
Classification: Uncertain significance for Retinitis Pigmentosa 26. Last evaluated: 2019-11-11. Review status: no assertion criteria provided. Collection method: clinical testing. Allele origin: germline. Not counted in ClinVar's aggregate classification.

NM_201548.5(CERKL):c.848T>C (p.Leu283Pro)

Gene: CERKL (CERK like autophagy regulator; minus strand). Cytogenetic location: 2q31.3.
Variant type: single nucleotide variant.
Coding change: c.848T>C on transcript NM_201548.5 (MANE Select); coding-DNA position 848, T replaced by C.
Protein change: p.Leu283Pro; replaces leucine 283 with proline.
Molecular consequence: missense variant. On other transcripts: non-coding transcript variant (2).
Genome position (GRCh38, 1-based): chr2:181,549,681, A>G on the plus strand (T>C on the coding strand, the complement: CERKL is on the minus strand). VCF-style: chr2-181549681-A-G. GRCh37 (hg19) VCF-style: chr2-182414408-A-G.
Other names: c.926T>C, p.Leu309Pro (NM_001030311.3); c.509T>C, p.Leu170Pro (NM_001030312.3); c.641T>C, p.Leu214Pro (NM_001030313.3); c.794T>C, p.Leu265Pro (NM_001160277.2); short protein forms L283P, L309P, L265P, L170P, L214P.
Identifiers: ClinVar variation 333008 (VCV000333008.12), dbSNP rs772798578, ClinGen allele CA2010640.
Genomic context (GRCh38, chr2:181,549,681, plus strand): 5'-GAAGAATTCTTACCCATTATAATGTGCAATGTTGCAGTTATCACATGAGGAACTCCATGA[A>G]GAGAATGTGCCAATACATTGGTAGATCCTGCCAAAGCAATTTTAAAACATGCACTATTAG-3'
Protein context (NP_963842.1, residues 273-293): AGSTNVLAHS[Leu283Pro]HGVPHVITAT